The following is an entry in ClinVar:

NM_004972.4(JAK2):c.2767C>T (p.Arg923Cys)

Genes: INSL6 (insulin like 6; minus strand), JAK2 (Janus kinase 2; plus strand). Cytogenetic location: 9p24.1.
Variant type: single nucleotide variant.
Coding change: c.2767C>T on transcript NM_004972.4 (MANE Select); coding-DNA position 2767, C replaced by T.
Protein change: p.Arg923Cys; replaces arginine 923 with cysteine.
Molecular consequence: missense variant. On other transcripts: non-coding transcript variant (2).
Genome position (GRCh38, 1-based): chr9:5,090,451, C>T. VCF-style: chr9-5090451-C-T. GRCh37 (hg19) VCF-style: chr9-5090451-C-T.
Other names: c.2767C>T, p.Arg923Cys (NM_001322194.2, NM_001322195.2, NM_001322196.2); c.1552C>T, p.Arg518Cys (NM_001322198.2, NM_001322199.2); c.2320C>T, p.Arg774Cys (NM_001322204.2); short protein forms R518C, R774C, R923C.
Identifiers: ClinVar variation 2193901 (VCV002193901.4), dbSNP rs774355597, ClinGen allele CA4972258.

ClinVar aggregate classification (germline): Uncertain significance (1 of 4 stars; one submission).

Allele frequency attached by ClinVar (database versions not stated): ExAC 0.00003; TOPMed 0.00003; gnomAD 0.00004.
gnomAD v4.1: 25 of 1,548,922 alleles (0.0016%); highest among the groups gnomAD compares: Middle Eastern, 0.017%; no homozygotes.

Submission:

Labcorp Genetics (formerly Invitae), Labcorp
Classification: Uncertain significance. Last evaluated: 2025-12-20. Review status: criteria provided, single submitter. Criteria: Invitae Variant Classification Sherloc (09022015). Collection method: clinical testing. Allele origin: germline.
Comment: This sequence change replaces arginine, which is basic and polar, with cysteine, which is neutral and slightly polar, at codon 923 of the JAK2 protein (p.Arg923Cys). This variant is present in population databases (rs774355597, gnomAD 0.006%). This variant has not been reported in the literature in individuals affected with JAK2-related conditions. ClinVar contains an entry for this variant (Variation ID: 2193901). Invitae Evidence Modeling of protein sequence and biophysical properties (such as structural, functional, and spatial information, amino acid conservation, physicochemical variation, residue mobility, and thermodynamic stability) indicates that this missense variant is not expected to disrupt JAK2 protein function with a negative predictive value of 80%. In summary, the available evidence is currently insufficient to determine the role of this variant in disease. Therefore, it has been classified as a Variant of Uncertain Significance.